The following is an entry in ClinVar:

ClinVar aggregate classification (germline): Conflicting classifications of pathogenicity. Review status: criteria provided, conflicting classifications (1 of 4 stars). 4 submissions from 4 submitters: Uncertain significance (1); Likely benign (3). Last evaluated 2024-11-11.

Conditions:
Short stature due to growth hormone secretagogue receptor deficiency (GHDP). Also called: Short stature due to GHSR deficiency. Identifiers: Orphanet 314811, MedGen C5887324, MONDO:0014403, OMIM 615925.

Allele frequency attached by ClinVar (database versions not stated): TOPMed 0.00006; gnomAD 0.00009 and 0.00011; gnomAD exomes 0.00014; ESP Exome Variant Server 0.00015; ExAC 0.00016; 1000 Genomes Project 30x 0.00031; 1000 Genomes Project 0.00040.

Submissions (4):

Labcorp Genetics (formerly Invitae), Labcorp
Classification: Likely benign. Last evaluated: 2024-11-11. Review status: criteria provided, single submitter. Criteria: Invitae Variant Classification Sherloc (09022015). Collection method: clinical testing. Allele origin: germline.

Blueprint Genetics
Classification: Likely benign. Last evaluated: 2024-07-02. Review status: criteria provided, single submitter. Criteria: ACMG Guidelines, 2015. Collection method: clinical testing. Allele origin: germline.

CeGaT Center for Human Genetics Tuebingen
Classification: Likely benign. Last evaluated: 2024-05-01. Review status: criteria provided, single submitter. Criteria: CeGaT Center For Human Genetics Tuebingen Variant Classification Criteria Version 2. Collection method: clinical testing. Allele origin: germline. Affected: yes. Observed: 1 variant allele.
Comment: GHSR: BP4, BP7

Illumina Laboratory Services, Illumina
Classification: Uncertain significance for Short stature due to growth hormone secretagogue receptor deficiency. Last evaluated: 2018-01-13. Review status: criteria provided, single submitter. Criteria: ICSL Variant Classification Criteria 13 December 2019. Collection method: clinical testing. Allele origin: germline.

NM_198407.2(GHSR):c.924C>G (p.Ser308=)

Gene: GHSR (growth hormone secretagogue receptor; minus strand). Cytogenetic location: 3q26.31.
Variant type: single nucleotide variant.
Coding change: c.924C>G on transcript NM_198407.2 (MANE Select); coding-DNA position 924, C replaced by G.
Protein change: p.Ser308=; no amino-acid change (serine 308 retained).
Molecular consequence: synonymous variant.
Genome position (GRCh38, 1-based): chr3:172,445,338, G>C on the plus strand (C>G on the coding strand, the complement: GHSR is on the minus strand). VCF-style: chr3-172445338-G-C. GRCh37 (hg19) VCF-style: chr3-172163128-G-C.
Identifiers: ClinVar variation 761566 (VCV000761566.32), dbSNP rs145560801, ClinGen allele CA2706338.